The following is an entry in ClinVar:

ClinVar aggregate classification (germline): Uncertain significance (1 of 4 stars; one submission).

Conditions:
Long QT syndrome (LQTS). Identifiers: MedGen C0023976, MeSH D008133, MONDO:0002442. Disease mechanism: loss of function. Inheritance: Various modes of inheritance.

Submission:

Labcorp Genetics (formerly Invitae), Labcorp
Classification: Uncertain significance for Long QT syndrome. Last evaluated: 2022-03-08. Review status: criteria provided, single submitter. Criteria: Invitae Variant Classification Sherloc (09022015). Collection method: clinical testing. Allele origin: germline.
Comment: In summary, the available evidence is currently insufficient to determine the role of this variant in disease. Therefore, it has been classified as a Variant of Uncertain Significance. Algorithms developed to predict the effect of missense changes on protein structure and function are either unavailable or do not agree on the potential impact of this missense change (SIFT: "Deleterious"; PolyPhen-2: "Possibly Damaging"; Align-GVGD: "Class C0"). This variant has not been reported in the literature in individuals affected with AKAP9-related conditions. This variant is not present in population databases (gnomAD no frequency). This sequence change replaces histidine, which is basic and polar, with tyrosine, which is neutral and polar, at codon 2106 of the AKAP9 protein (p.His2106Tyr).

NM_005751.5(AKAP9):c.6316C>T (p.His2106Tyr)

Gene: AKAP9 (A-kinase anchoring protein 9; plus strand). Cytogenetic location: 7q21.2.
Variant type: single nucleotide variant.
Coding change: c.6316C>T on transcript NM_005751.5 (MANE Select); coding-DNA position 6316, C replaced by T.
Protein change: p.His2106Tyr; replaces histidine 2106 with tyrosine.
Molecular consequence: missense variant.
Genome position (GRCh38, 1-based): chr7:92,066,532, C>T. VCF-style: chr7-92066532-C-T. GRCh37 (hg19) VCF-style: chr7-91695846-C-T.
Other names: c.961C>T, p.His321Tyr (NM_001379277.1); c.6316C>T, p.His2106Tyr (NM_147185.3); short protein forms H2106Y, H321Y.
Identifiers: ClinVar variation 1514084 (VCV001514084.8), dbSNP rs2130833023, ClinGen allele CA368133409.